The following is an entry in ClinVar:

ClinVar aggregate classification (germline): Uncertain significance (1 of 4 stars; one submission).

Conditions:
Hypertrophic cardiomyopathy. Also called: HYPERTROPHIC MYOCARDIOPATHY. Identifiers: Orphanet 217569, MedGen C0007194, MeSH D002312, MONDO:0005045, HP:0001639.

Submission:

Labcorp Genetics (formerly Invitae), Labcorp
Classification: Uncertain significance for Hypertrophic cardiomyopathy. Last evaluated: 2019-12-27. Review status: criteria provided, single submitter. Criteria: Invitae Variant Classification Sherloc (09022015). Collection method: clinical testing. Allele origin: germline.
Comment: This sequence change replaces arginine with glycine at codon 183 of the MYOZ2 protein (p.Arg183Gly). The arginine residue is moderately conserved and there is a moderate physicochemical difference between arginine and glycine. This variant is not present in population databases (ExAC no frequency). This variant has not been reported in the literature in individuals with MYOZ2-related conditions. Algorithms developed to predict the effect of missense changes on protein structure and function are either unavailable or do not agree on the potential impact of this missense change (SIFT: Deleterious; PolyPhen-2: Possibly Damaging; Align-GVGD: Class C0). In summary, the available evidence is currently insufficient to determine the role of this variant in disease. Therefore, it has been classified as a Variant of Uncertain Significance.

NM_016599.5(MYOZ2):c.547A>G (p.Arg183Gly)

Gene: MYOZ2 (myozenin 2; plus strand). Cytogenetic location: 4q26.
Variant type: single nucleotide variant.
Coding change: c.547A>G on transcript NM_016599.5 (MANE Select); coding-DNA position 547, A replaced by G.
Protein change: p.Arg183Gly; replaces arginine 183 with glycine.
Molecular consequence: missense variant.
Genome position (GRCh38, 1-based): chr4:119,164,381, A>G. VCF-style: chr4-119164381-A-G. GRCh37 (hg19) VCF-style: chr4-120085536-A-G.
Other names: short protein forms R183G.
Identifiers: ClinVar variation 859626 (VCV000859626.2), dbSNP rs1741778219, ClinGen allele CA358204442.
Genomic context (GRCh38, chr4:119,164,381, plus strand): 5'-TTAGAGGCTTTATATCCTAAACTTTTCAAGCCTGAAGGAAAGGCAGAACTGCCTGATTAC[A>G]GGAGCTTTAACAGGTAATTCAATGGTCCTGGGTGACACTGTTGGCATGCAATACCAAAAT-3'
Protein context (NP_057683.1, residues 173-193): PEGKAELPDY[Arg183Gly]SFNRVATPFG